The following is an entry in ClinVar:

NM_020631.6(PLEKHG5):c.1552G>A (p.Val518Met)

Gene: PLEKHG5 (pleckstrin homology and RhoGEF domain containing G5; minus strand). Cytogenetic location: 1p36.31.
Variant type: single nucleotide variant.
Coding change: c.1552G>A on transcript NM_020631.6 (MANE Select); coding-DNA position 1552, G replaced by A.
Protein change: p.Val518Met; replaces valine 518 with methionine.
Molecular consequence: missense variant.
Genome position (GRCh38, 1-based): chr1:6,470,634, C>T on the plus strand (G>A on the coding strand, the complement: PLEKHG5 is on the minus strand). VCF-style: chr1-6470634-C-T. GRCh37 (hg19) VCF-style: chr1-6530694-C-T.
Other names: c.1663G>A, p.Val555Met (NM_001042663.3, NM_001265592.2); c.1552G>A, p.Val518Met (NM_001042664.2, NM_001042665.2, NM_001265594.3 and 1 more transcripts); c.1759G>A, p.Val587Met (NM_001265593.2); short protein forms V518M, V587M, V555M.
Identifiers: ClinVar variation 297956 (VCV000297956.13), dbSNP rs377602965, ClinGen allele CA561463.

ClinVar aggregate classification (germline): Uncertain significance. Review status: criteria provided, multiple submitters, no conflicts (2 of 4 stars). 4 submissions from 4 submitters: Uncertain significance (4). Last evaluated 2025-08-03.

Conditions:
Neuronopathy, distal hereditary motor, autosomal recessive 4. Also called: Autosomal recessive lower motor neuron disease with childhood onset; NEUROPATHY, DISTAL HEREDITARY MOTOR, AUTOSOMAL RECESSIVE 4. Identifiers: Orphanet 206580, MedGen C1970211, MONDO:0012608, OMIM 611067.
Charcot-Marie-Tooth disease recessive intermediate C. Also called: CHARCOT-MARIE-TOOTH NEUROPATHY, RECESSIVE INTERMEDIATE C. Identifiers: Orphanet 369867, MedGen C3809309, MONDO:0014154, OMIM 615376.
Inborn genetic diseases. Identifiers: MedGen C0950123, MeSH D030342.

Allele frequency attached by ClinVar (database versions not stated): gnomAD 0.00001; gnomAD exomes 0.00002 and 0.00003; TOPMed 0.00002; ExAC 0.00010; ESP Exome Variant Server 0.00016.
gnomAD v4.1: 27 of 1,575,754 alleles (0.0017%); highest among the groups gnomAD compares: Non-Finnish European, 0.0022%; no homozygotes.

Submissions (4):

Ambry Genetics
Classification: Uncertain significance for Inborn genetic diseases. Last evaluated: 2025-08-03. Review status: criteria provided, single submitter. Criteria: Ambry Variant Classification Scheme 2023. Collection method: clinical testing. Allele origin: germline.

GeneDx
Classification: Uncertain significance. Last evaluated: 2023-04-12. Review status: criteria provided, single submitter. Criteria: GeneDx Variant Classification Process June 2021. Collection method: clinical testing. Allele origin: germline. Affected: yes.
Comment: Not observed at significant frequency in large population cohorts (gnomAD); In silico analysis supports that this missense variant has a deleterious effect on protein structure/function; Has not been previously published as pathogenic or benign to our knowledge

Labcorp Genetics (formerly Invitae), Labcorp
Classification: Uncertain significance for Neuronopathy, distal hereditary motor, autosomal recessive 4; Charcot-Marie-Tooth disease recessive intermediate C. Last evaluated: 2021-09-15. Review status: criteria provided, single submitter. Criteria: Invitae Variant Classification Sherloc (09022015). Collection method: clinical testing. Allele origin: germline.
Comment: This sequence change replaces valine with methionine at codon 518 of the PLEKHG5 protein (p.Val518Met). The valine residue is moderately conserved and there is a small physicochemical difference between valine and methionine. This variant is present in population databases (rs377602965, ExAC 0.02%). This variant has not been reported in the literature in individuals affected with PLEKHG5-related conditions. ClinVar contains an entry for this variant (Variation ID: 297956). Algorithms developed to predict the effect of missense changes on protein structure and function output the following: SIFT: "Deleterious"; PolyPhen-2: "Benign"; Align-GVGD: "Class C0". The methionine amino acid residue is found in multiple mammalian species, which suggests that this missense change does not adversely affect protein function. In summary, the available evidence is currently insufficient to determine the role of this variant in disease. Therefore, it has been classified as a Variant of Uncertain Significance.

Illumina Laboratory Services, Illumina
Classification: Uncertain significance for Neuronopathy, distal hereditary motor, autosomal recessive 4. Last evaluated: 2018-01-13. Review status: criteria provided, single submitter. Criteria: ICSL Variant Classification Criteria 13 December 2019. Collection method: clinical testing. Allele origin: germline.